The following is an entry in ClinVar:

ClinVar aggregate classification (germline): Conflicting classifications of pathogenicity. Review status: criteria provided, conflicting classifications (1 of 4 stars). 11 submissions from 9 submitters: Uncertain significance (7); Benign (1); Likely benign (3). Last evaluated 2026-09-16.

Conditions:
Germ cell tumor of testis (TGCT). Also called: Testicular germ cell tumor; GERM CELL TUMOR, SOMATIC. Identifiers: Orphanet 363504, MedGen C1336708, MONDO:0010108, OMIM 273300.
Piebaldism. Also called: Piebald skin depigmentation. Identifiers: Orphanet 2884, MedGen C0080024, MONDO:0008244, OMIM 172800, HP:0007544.
Acute myeloid leukemia (AML). Also called: Leukemia, acute myeloid, somatic; Acute myeloid leukemia, adult; AML adult; Acute non-lymphocytic leukemia; Acute granulocytic leukemia; Leukemia, acute myelogenous, somatic. Identifiers: Orphanet 519, MedGen C0023467, MeSH D015470, MONDO:0018874, OMIM 601626, HP:0004808. Disease mechanism: Constitutively activated FLT3.
Cutaneous mastocytosis. Also called: MASTOCYTOSIS, MACULOPAPULAR CUTANEOUS. Identifiers: Orphanet 66646, MedGen C1136033, MONDO:0019023, OMIM 154800, HP:0200151.
Gastrointestinal stromal tumor. Also called: Gastrointestinal stromal tumor, somatic; Gastrointestinal stroma tumor. Identifiers: Orphanet 44890, MedGen C0238198, MeSH D046152, MONDO:0011719, OMIM 606764, HP:0100723.
KIT-related disorder. Also called: KIT-related condition.
Hereditary cancer-predisposing syndrome. Also called: Tumor predisposition; Hereditary neoplastic syndrome; Hereditary Cancer Syndrome; Neoplastic Syndromes, Hereditary. Identifiers: Orphanet 140162, MedGen C0027672, MeSH D009386, MONDO:0015356.
Mastocytosis. Also called: Mast Cell Disease. Identifiers: Orphanet 98292, MedGen C0024899, MONDO:0007950, HP:0100495.

Allele frequency attached by ClinVar (database versions not stated): gnomAD 0.00001; gnomAD exomes 0.00003 and 0.00005; TOPMed 0.00003; ExAC 0.00006; ESP Exome Variant Server 0.00015.

Submissions (11):

PreventionGenetics, part of Exact Sciences
Classification: Uncertain significance for KIT-related condition. Last evaluated: 2026-09-16. Review status: criteria provided, single submitter. Criteria: ACMG Guidelines, 2015. Collection method: clinical testing. Allele origin: germline.
Comment: The KIT c.2848G>A variant is predicted to result in the amino acid substitution p.Val950Met. To our knowledge, this variant has not been reported in the literature. It is reported in 0.016% of alleles in individuals of South Asian descent in gnomAD and has conflicting interpretations in ClinVar ranging from benign to uncertain (Variation ID: 409716). Although we suspect that this variant may be benign, at this time, the clinical significance of this variant is uncertain due to the absence of conclusive functional and genetic evidence.

Myriad Genetics, Inc.
Classification: Likely benign for Gastrointestinal stromal tumor. Last evaluated: 2026-06-02. Review status: criteria provided, single submitter. Criteria: Myriad Autosomal Dominant, Autosomal Recessive and X-Linked Classification Criteria (2023). Collection method: clinical testing. Allele origin: unknown.
Comment: This variant is considered likely benign. This variant has been observed at a population frequency that is significantly greater than expected given the associated disease prevalence and penetrance.

CeGaT Center for Human Genetics Tuebingen
Classification: Likely benign. Last evaluated: 2026-02-01. Review status: criteria provided, single submitter. Criteria: CeGaT Center For Human Genetics Tuebingen Variant Classification Criteria Version 2. Collection method: clinical testing. Allele origin: germline. Affected: yes. Observed: 1 variant allele.
Comment: KIT: BP4

Labcorp Genetics (formerly Invitae), Labcorp
Classification: Uncertain significance for Gastrointestinal stromal tumor. Last evaluated: 2025-11-05. Review status: criteria provided, single submitter. Criteria: Invitae Variant Classification Sherloc (09022015). Collection method: clinical testing. Allele origin: germline.
Comment: This sequence change replaces valine, which is neutral and non-polar, with methionine, which is neutral and non-polar, at codon 950 of the KIT protein (p.Val950Met). This variant is present in population databases (rs146374006, gnomAD 0.02%). This variant has not been reported in the literature in individuals affected with KIT-related conditions. ClinVar contains an entry for this variant (Variation ID: 409716). An algorithm developed to predict the effect of missense changes on protein structure and function (PolyPhen-2) suggests that this variant is likely to be tolerated. In summary, the available evidence is currently insufficient to determine the role of this variant in disease. Therefore, it has been classified as a Variant of Uncertain Significance.

Ambry Genetics
Classification: Likely benign for Hereditary cancer-predisposing syndrome. Last evaluated: 2025-07-30. Review status: criteria provided, single submitter. Criteria: Ambry Variant Classification Scheme 2023. Collection method: clinical testing. Allele origin: germline.

Fulgent Genetics
Classification: Uncertain significance for Cutaneous mastocytosis; Piebaldism; Germ cell tumor of testis; Acute myeloid leukemia; Gastrointestinal stromal tumor. Last evaluated: 2024-03-10. Review status: criteria provided, single submitter. Criteria: ACMG Guidelines, 2015. Collection method: clinical testing. Allele origin: germline.

GeneDx
Classification: Uncertain significance. Last evaluated: 2023-07-06. Review status: criteria provided, single submitter. Criteria: GeneDx Variant Classification Process June 2021. Collection method: clinical testing. Allele origin: germline. Affected: yes.
Comment: In silico analysis supports that this missense variant does not alter protein structure/function; Has not been previously published as pathogenic or benign to our knowledge; This variant is associated with the following publications: (PMID: 23020152)

Mendelics
Classification: Uncertain significance for Gastrointestinal stromal tumor. Last evaluated: 2019-05-28. Review status: criteria provided, single submitter. Criteria: Mendelics Assertion Criteria 2017. Collection method: clinical testing. Allele origin: unknown.

Illumina Laboratory Services, Illumina
Classification: Uncertain significance for Piebaldism. Last evaluated: 2017-04-28. Review status: criteria provided, single submitter. Criteria: ICSL Variant Classification Criteria 13 December 2019. Collection method: clinical testing. Allele origin: germline.
Comment: This variant was observed as part of a predisposition screen in an ostensibly healthy population. A literature search was performed for the gene, cDNA change, and amino acid change (where applicable). Publications were found based on this search. However, the evidence from the literature, in combination with allele frequency data from public databases where available, was not sufficient to rule this variant in or out of causing disease. Therefore, this variant is classified as a variant of unknown significance.

Illumina Laboratory Services, Illumina
Classification: Uncertain significance for Gastrointestinal stromal tumor. Last evaluated: 2017-04-28. Review status: criteria provided, single submitter. Criteria: ICSL Variant Classification Criteria 13 December 2019. Collection method: clinical testing. Allele origin: germline.
Comment: the same text as in the submission from Illumina Laboratory Services, Illumina above.

Illumina Laboratory Services, Illumina
Classification: Benign for Cutaneous mastocytosis. Last evaluated: 2017-04-28. Review status: criteria provided, single submitter. Criteria: ICSL Variant Classification Criteria 13 December 2019. Collection method: clinical testing. Allele origin: germline.
Comment: This variant was observed as part of a predisposition screen in an ostensibly healthy population. A literature search was performed for the gene, cDNA change, and amino acid change (where applicable). Publications were found based on this search. The evidence from the literature, in combination with allele frequency data from public databases where available, was sufficient to rule this variant out of causing disease. Therefore, this variant is classified as benign.

Literature cited by the submitters: PubMed 23020152 (cited by Illumina Laboratory Services, Illumina).

NM_000222.3(KIT):c.2848G>A (p.Val950Met)

Gene: KIT (KIT proto-oncogene, receptor tyrosine kinase; plus strand). Cytogenetic location: 4q12.
Variant type: single nucleotide variant.
Coding change: c.2848G>A on transcript NM_000222.3 (MANE Select); coding-DNA position 2848, G replaced by A.
Protein change: p.Val950Met; replaces valine 950 with methionine.
Molecular consequence: missense variant.
Genome position (GRCh38, 1-based): chr4:54,738,474, G>A. VCF-style: chr4-54738474-G-A. GRCh37 (hg19) VCF-style: chr4-55604640-G-A.
Other names: c.2836G>A, p.Val946Met (NM_001093772.2, NM_001385292.1); c.2851G>A, p.Val951Met (NM_001385284.1); c.2845G>A, p.Val949Met (NM_001385285.1); c.2833G>A, p.Val945Met (NM_001385286.1); c.2839G>A, p.Val947Met (NM_001385288.1); c.2848G>A, p.Val950Met (NM_001385290.1); short protein forms V950M, V946M, V945M, V947M, V949M, V951M.
Identifiers: ClinVar variation 409716 (VCV000409716.28), dbSNP rs146374006, ClinGen allele CA2923882.